The following is an entry in ClinVar:

NM_003719.5(PDE8B):c.1169T>G (p.Ile390Ser)

Gene: PDE8B (phosphodiesterase 8B; plus strand). Cytogenetic location: 5q13.3.
Variant type: single nucleotide variant.
Coding change: c.1169T>G on transcript NM_003719.5 (MANE Select); coding-DNA position 1169, T replaced by G.
Protein change: p.Ile390Ser; replaces isoleucine 390 with serine.
Molecular consequence: missense variant.
Genome position (GRCh38, 1-based): chr5:77,400,249, T>G. VCF-style: chr5-77400249-T-G. GRCh37 (hg19) VCF-style: chr5-76696074-T-G.
Other names: c.878T>G, p.Ile293Ser (NM_001029851.4); c.1169T>G, p.Ile390Ser (NM_001029852.4); c.1160T>G, p.Ile387Ser (NM_001376063.1); c.1019T>G, p.Ile340Ser (NM_001376064.1); c.875T>G, p.Ile292Ser (NM_001376065.1); c.806T>G, p.Ile269Ser (NM_001376066.1); c.797T>G, p.Ile266Ser (NM_001376067.1, NM_001376068.1, NM_001349753.2 and 2 more transcripts); c.785T>G, p.Ile262Ser (NM_001376069.1); and 12 more; short protein forms I340S, I387S, I172S, I241S, I269S, I288S, I293S, I390S.
Identifiers: ClinVar variation 4795666 (VCV004795666.1).

ClinVar aggregate classification (germline): Uncertain significance (1 of 4 stars; one submission).

Submission:

GeneDx
Classification: Uncertain significance. Last evaluated: 2025-08-10. Review status: criteria provided, single submitter. Criteria: GeneDx Variant Classification Process June 2021. Collection method: clinical testing. Allele origin: germline. Affected: yes.
Comment: Not observed at significant frequency in large population cohorts (gnomAD); In silico analysis suggests that this missense variant does not alter protein structure/function; Has not been previously published as pathogenic or benign to our knowledge